The following is an entry in ClinVar:

ClinVar aggregate classification (germline): Uncertain significance (1 of 4 stars; one submission).

Conditions:
3-Methylglutaconic aciduria type 2 (BTHS). Also called: Barth syndrome; CARDIOSKELETAL MYOPATHY WITH NEUTROPENIA AND ABNORMAL MITOCHONDRIA. Identifiers: Orphanet 111, MedGen C0574083, MONDO:0010543, OMIM 302060.

Allele frequency attached by ClinVar (database versions not stated): gnomAD exomes below 0.00001 and 0.00001; ExAC 0.00001; gnomAD 0.00001; TOPMed 0.00003.

Submission:

Labcorp Genetics (formerly Invitae), Labcorp
Classification: Uncertain significance for 3-Methylglutaconic aciduria type 2. Last evaluated: 2025-10-08. Review status: criteria provided, single submitter. Criteria: Invitae Variant Classification Sherloc (09022015). Collection method: clinical testing. Allele origin: germline.
Comment: This sequence change replaces arginine, which is basic and polar, with histidine, which is basic and polar, at codon 230 of the TAZ protein (p.Arg230His). This variant is present in population databases (rs782655300, gnomAD 0.01%). This variant has not been reported in the literature in individuals affected with TAZ-related conditions. ClinVar contains an entry for this variant (Variation ID: 648492). An algorithm developed to predict the effect of missense changes on protein structure and function (PolyPhen-2) suggests that this variant is likely to be tolerated. In summary, the available evidence is currently insufficient to determine the role of this variant in disease. Therefore, it has been classified as a Variant of Uncertain Significance.

NM_000116.5(TAFAZZIN):c.689G>A (p.Arg230His)

Gene: TAFAZZIN (tafazzin, phospholipid-lysophospholipid transacylase; plus strand). Cytogenetic location: Xq28.
Variant type: single nucleotide variant.
Coding change: c.689G>A on transcript NM_000116.5 (MANE Select); coding-DNA position 689, G replaced by A.
Protein change: p.Arg230His; replaces arginine 230 with histidine.
Molecular consequence: missense variant. On other transcripts: non-coding transcript variant (1).
Genome position (GRCh38, 1-based): chrX:154,420,254, G>A. VCF-style: chrX-154420254-G-A. GRCh37 (hg19) VCF-style: chrX-153648593-G-A.
Other names: c.701G>A, p.Arg234His (NM_001303465.2); c.599G>A, p.Arg200His (NM_181311.4); c.647G>A, p.Arg216His (NM_181312.4); c.557G>A, p.Arg186His (NM_181313.4); short protein forms R216H, R200H, R234H, R230H, R186H.
Identifiers: ClinVar variation 648492 (VCV000648492.6), dbSNP rs782655300, ClinGen allele CA10562411.
Genomic context (GRCh38, chrX:154,420,254, plus strand): 5'-CTGTCCACTGTGCTGCAGGAATGAATGACGTCCTTCCTAACAGTCCGCCCTACTTCCCCC[G>A]CTTTGGACAGGTGGGTGGGGACTGCTGACCTTCGGCTGTCTGCCTGTCTGCTGTCTGCTC-3'
Protein context (NP_000107.1, residues 220-240): VLPNSPPYFP[Arg230His]FGQKITVLIG